The following is an entry in ClinVar:

ClinVar aggregate classification (germline): Uncertain significance (1 of 4 stars; one submission).

Allele frequency attached by ClinVar (database versions not stated): TOPMed below 0.00001; gnomAD 0.00001; gnomAD exomes 0.00001; 1000 Genomes Project 30x 0.00047.
gnomAD v4.1: 14 of 1,016,846 alleles (0.0014%); highest among the groups gnomAD compares: Middle Eastern, 0.049%; no homozygotes.

Submission:

Labcorp Genetics (formerly Invitae), Labcorp
Classification: Uncertain significance. Last evaluated: 2021-12-23. Review status: criteria provided, single submitter. Criteria: Invitae Variant Classification Sherloc (09022015). Collection method: clinical testing. Allele origin: germline.
Comment: In summary, the available evidence is currently insufficient to determine the role of this variant in disease. Therefore, it has been classified as a Variant of Uncertain Significance. Algorithms developed to predict the effect of missense changes on protein structure and function are either unavailable or do not agree on the potential impact of this missense change (SIFT: "Not Available"; PolyPhen-2: "Possibly Damaging"; Align-GVGD: "Not Available"). This variant has not been reported in the literature in individuals affected with ADAMTS17-related conditions. The frequency data for this variant in the population databases is considered unreliable, as metrics indicate insufficient coverage at this position in the gnomAD database. This sequence change replaces valine, which is neutral and non-polar, with methionine, which is neutral and non-polar, at codon 35 of the ADAMTS17 protein (p.Val35Met).

NM_139057.4(ADAMTS17):c.103G>A (p.Val35Met)

Gene: ADAMTS17 (ADAM metallopeptidase with thrombospondin type 1 motif 17; minus strand). Cytogenetic location: 15q26.3.
Variant type: single nucleotide variant.
Coding change: c.103G>A on transcript NM_139057.4 (MANE Select); coding-DNA position 103, G replaced by A.
Protein change: p.Val35Met; replaces valine 35 with methionine.
Molecular consequence: missense variant.
Genome position (GRCh38, 1-based): chr15:100,341,386, C>T on the plus strand (G>A on the coding strand, the complement: ADAMTS17 is on the minus strand). VCF-style: chr15-100341386-C-T. GRCh37 (hg19) VCF-style: chr15-100881591-C-T.
Other names: short protein forms V35M.
Identifiers: ClinVar variation 1930272 (VCV001930272.3), dbSNP rs2046362050, ClinGen allele CA394525718.
Genomic context (GRCh38, chr15:100,341,386, plus strand): 5'-CGGGCAGCGGCGGCAGGTGCACGTCGTCGGGGCGCACCCGCCACGGGAGCACCACCTCCA[C>T]GTCGGCCGCCGCGTCGCCGACAGCTGCGGGGAGAGAGGAGACGCGTCAGCGCGGCGGGGC-3'
Protein context (NP_620688.2, residues 25-45): GTAVGDAAAD[Val35Met]EVVLPWRVRP